The following is an entry in ClinVar:

NM_000392.5(ABCC2):c.1415T>C (p.Leu472Pro)

Gene: ABCC2 (ATP binding cassette subfamily C member 2; plus strand). Cytogenetic location: 10q24.2.
Variant type: single nucleotide variant.
Coding change: c.1415T>C on transcript NM_000392.5 (MANE Select); coding-DNA position 1415, T replaced by C.
Protein change: p.Leu472Pro; replaces leucine 472 with proline.
Molecular consequence: missense variant.
Genome position (GRCh38, 1-based): chr10:99,804,224, T>C. VCF-style: chr10-99804224-T-C. GRCh37 (hg19) VCF-style: chr10-101563981-T-C.
Other names: short protein forms L472P.
Identifiers: ClinVar variation 4980940 (VCV004980940.1).

ClinVar aggregate classification (germline): Uncertain significance (1 of 4 stars; one submission).

Conditions:
ABCC2-related disorder. Also called: ABCC2-related condition.

gnomAD v4.1: 30 of 1,614,040 alleles (0.0019%); highest among the groups gnomAD compares: African/African-American, 0.035%; no homozygotes.

Submission:

PreventionGenetics, part of Exact Sciences
Classification: Uncertain significance for ABCC2-related condition. Last evaluated: 2025-04-15. Review status: criteria provided, single submitter. Criteria: ACMG Guidelines, 2015. Collection method: clinical testing. Allele origin: germline.
Comment: The ABCC2 c.1415T>C variant is predicted to result in the amino acid substitution p.Leu472Pro. To our knowledge, this variant has not been reported in the literature. This variant is reported in 0.036% of alleles in individuals of African descent in gnomAD. At this time, the clinical significance of this variant is uncertain due to the absence of conclusive functional and genetic evidence.